The following is an entry in ClinVar:

ClinVar aggregate classification (germline): Conflicting classifications of pathogenicity. Review status: criteria provided, conflicting classifications (1 of 4 stars). 3 submissions from 3 submitters: Uncertain significance (1); Likely benign (2). Last evaluated 2025-11-18.

Conditions:
Autosomal recessive limb-girdle muscular dystrophy type 2L (LGMDR12). Also called: Limb-girdle muscular dystrophy, type 2L; Limb-Girdle Muscular Dystrophy R12 Anoctamin-5-Related (LGMD-R12); MUSCULAR DYSTROPHY, LIMB-GIRDLE, AUTOSOMAL RECESSIVE 12. Identifiers: Orphanet 206549, MedGen C1969785, MONDO:0012652, OMIM 611307.
Gnathodiaphyseal dysplasia (GDD). Also called: GNATHODIAPHYSEAL SCLEROSIS; OSTEOGENESIS IMPERFECTA WITH UNUSUAL SKELETAL LESIONS. Identifiers: Orphanet 53697, MedGen C1833736, MONDO:0008151, OMIM 166260.

Allele frequency attached by ClinVar (database versions not stated): ExAC 0.00003; gnomAD 0.00003; TOPMed 0.00005; gnomAD exomes 0.00006 and 0.00002; ESP Exome Variant Server 0.00015.
gnomAD v4.1: 95 of 1,609,458 alleles (0.0059%); highest among the groups gnomAD compares: Non-Finnish European, 0.0078%; no homozygotes.

Submissions (3):

Labcorp Genetics (formerly Invitae), Labcorp
Classification: Likely benign for Autosomal recessive limb-girdle muscular dystrophy type 2L; Gnathodiaphyseal dysplasia. Last evaluated: 2025-11-18. Review status: criteria provided, single submitter. Criteria: Invitae Variant Classification Sherloc (09022015). Collection method: clinical testing. Allele origin: germline.

GeneDx
Classification: Likely benign. Last evaluated: 2016-08-17. Review status: criteria provided, single submitter. Criteria: GeneDx Variant Classification (06012015). Collection method: clinical testing. Allele origin: germline. Affected: yes.
Comment: This variant is considered likely benign or benign based on one or more of the following criteria: it is a conservative change, it occurs at a poorly conserved position in the protein, it is predicted to be benign by multiple in silico algorithms, and/or has population frequency not consistent with disease.

Eurofins Ntd Llc (ga)
Classification: Uncertain significance. Last evaluated: 2015-12-18. Review status: criteria provided, single submitter. Criteria: EGL Classification Definitions 2015. Collection method: clinical testing. Allele origin: germline. Observed: 1 variant allele, 1 heterozygote.

NM_213599.3(ANO5):c.276A>G (p.Lys92=)

Gene: ANO5 (anoctamin 5; plus strand). Cytogenetic location: 11p14.3.
Variant type: single nucleotide variant.
Coding change: c.276A>G on transcript NM_213599.3 (MANE Select); coding-DNA position 276, A replaced by G.
Protein change: p.Lys92=; no amino-acid change (lysine 92 retained).
Molecular consequence: synonymous variant.
Genome position (GRCh38, 1-based): chr11:22,221,192, A>G. VCF-style: chr11-22221192-A-G. GRCh37 (hg19) VCF-style: chr11-22242738-A-G.
Other names: c.273A>G, p.Lys91= (NM_001142649.2).
Identifiers: ClinVar variation 285124 (VCV000285124.12), dbSNP rs201678262, ClinGen allele CA5922852.